The following is an entry in ClinVar:

NM_005677.4(COLQ):c.406C>T (p.Pro136Ser)

Gene: COLQ (collagen like tail subunit of asymmetric acetylcholinesterase; minus strand). Cytogenetic location: 3p25.1.
Variant type: single nucleotide variant.
Coding change: c.406C>T on transcript NM_005677.4 (MANE Select); coding-DNA position 406, C replaced by T.
Protein change: p.Pro136Ser; replaces proline 136 with serine.
Molecular consequence: missense variant.
Genome position (GRCh38, 1-based): chr3:15,477,185, G>A on the plus strand (C>T on the coding strand, the complement: COLQ is on the minus strand). VCF-style: chr3-15477185-G-A. GRCh37 (hg19) VCF-style: chr3-15518692-G-A.
Other names: c.376C>T, p.Pro126Ser (NM_080538.2); c.304C>T, p.Pro102Ser (NM_080539.4); short protein forms P102S, P136S, P126S.
Identifiers: ClinVar variation 650641 (VCV000650641.6), dbSNP rs1039189998, ClinGen allele CA70618392.

ClinVar aggregate classification (germline): Uncertain significance (1 of 4 stars; one submission).

Conditions:
Congenital myasthenic syndrome 5. Identifiers: Orphanet 590, MedGen C1864233, MONDO:0011281, OMIM 603034.

Allele frequency attached by ClinVar (database versions not stated): gnomAD 0.00001; gnomAD exomes 0.00002 and 0.00003; TOPMed 0.00002.
gnomAD v4.1: 33 of 1,605,750 alleles (0.0021%); highest among the groups gnomAD compares: Admixed American, 0.014%; no homozygotes.

Submission:

Labcorp Genetics (formerly Invitae), Labcorp
Classification: Uncertain significance for Congenital myasthenic syndrome 5. Last evaluated: 2021-09-02. Review status: criteria provided, single submitter. Criteria: Invitae Variant Classification Sherloc (09022015). Collection method: clinical testing. Allele origin: germline.
Comment: This sequence change replaces proline with serine at codon 136 of the COLQ protein (p.Pro136Ser). The proline residue is highly conserved and there is a moderate physicochemical difference between proline and serine. This variant is not present in population databases (ExAC no frequency). This variant has not been reported in the literature in individuals affected with COLQ-related conditions. Algorithms developed to predict the effect of missense changes on protein structure and function (SIFT, PolyPhen-2, Align-GVGD) all suggest that this variant is likely to be disruptive. In summary, the available evidence is currently insufficient to determine the role of this variant in disease. Therefore, it has been classified as a Variant of Uncertain Significance.